The following is an entry in ClinVar:

ClinVar aggregate classification (germline): Conflicting classifications of pathogenicity. Review status: criteria provided, conflicting classifications (1 of 4 stars). 4 submissions from 4 submitters: Uncertain significance (3); Likely benign (1). Last evaluated 2025-03-01.

Conditions:
Von Hippel-Lindau syndrome (VHLS). Also called: Von Hippel-Lindau; VHL syndrome; von Hippel–Lindau syndrome. Identifiers: Orphanet 892, MedGen C0019562, MONDO:0008667, OMIM 193300. Disease mechanism: loss of function.
Chuvash polycythemia. Also called: POLYCYTHEMIA, VHL-DEPENDENT. Identifiers: Orphanet 238557, MedGen C1837915, MONDO:0009892, OMIM 263400.
Hereditary cancer-predisposing syndrome. Also called: Hereditary Cancer Syndrome; Tumor predisposition; Neoplastic Syndromes, Hereditary; Hereditary neoplastic syndrome. Identifiers: Orphanet 140162, MedGen C0027672, MeSH D009386, MONDO:0015356.

Allele frequency attached by ClinVar (database versions not stated): 1000 Genomes Project 0.00020; 1000 Genomes Project 30x 0.00031.
gnomAD v4.1: 2 of 1,566,202 alleles (0.00013%); highest among the groups gnomAD compares: East Asian, 0.0048%; no homozygotes.

Submissions (4):

Ambry Genetics
Classification: Likely benign for Hereditary cancer-predisposing syndrome. Last evaluated: 2025-03-01. Review status: criteria provided, single submitter. Criteria: Ambry Variant Classification Scheme 2023. Collection method: clinical testing. Allele origin: germline.

All of Us Research Program, National Institutes of Health
Classification: Uncertain significance for Von Hippel-Lindau syndrome. Last evaluated: 2024-07-29. Review status: criteria provided, single submitter. Criteria: ACMG Guidelines, 2015. Collection method: clinical testing. Allele origin: germline. Inheritance: Autosomal dominant inheritance. Observed: 3 variant alleles, 3 heterozygotes.
Comment: This missense variant replaces proline with leucine at codon 45 of the VHL protein. Computational prediction suggests that this variant may not impact protein structure and function (internally defined REVEL score threshold <= 0.5, PMID: 27666373). To our knowledge, functional studies have not been reported for this variant. This variant has not been reported in individuals affected with VHL-related disorders in the literature. This variant has not been identified in the general population by the Genome Aggregation Database (gnomAD). The available evidence is insufficient to determine the role of this variant in disease conclusively. Therefore, this variant is classified as a Variant of Uncertain Significance.

This study involves interpretation of variants in research participants for the purpose of population health screening. Participant phenotype was not available at the time of variant classification. Additional details can be found in publication PMID: 35346344, PMCID: PMC8962531

Labcorp Genetics (formerly Invitae), Labcorp
Classification: Uncertain significance for Von Hippel-Lindau syndrome; Chuvash polycythemia. Last evaluated: 2024-07-16. Review status: criteria provided, single submitter. Criteria: Invitae Variant Classification Sherloc (09022015). Collection method: clinical testing. Allele origin: germline.
Comment: This sequence change replaces proline, which is neutral and non-polar, with leucine, which is neutral and non-polar, at codon 45 of the VHL protein (p.Pro45Leu). This variant is not present in population databases (gnomAD no frequency). This variant has not been reported in the literature in individuals affected with VHL-related conditions. ClinVar contains an entry for this variant (Variation ID: 648726). Advanced modeling of protein sequence and biophysical properties (such as structural, functional, and spatial information, amino acid conservation, physicochemical variation, residue mobility, and thermodynamic stability) performed at Invitae indicates that this missense variant is not expected to disrupt VHL protein function with a negative predictive value of 95%. In summary, the available evidence is currently insufficient to determine the role of this variant in disease. Therefore, it has been classified as a Variant of Uncertain Significance.

Institute for Clinical Genetics, University Hospital TU Dresden, University Hospital TU Dresden
Classification: Uncertain significance. Last evaluated: 2021-11-03. Review status: criteria provided, single submitter. Criteria: ACMG Guidelines, 2015. Collection method: clinical testing. Allele origin: germline.

Literature cited by the submitters: PubMed 38969834 (cited by Ambry Genetics).

NM_000551.4(VHL):c.134C>T (p.Pro45Leu)

Gene: VHL (von Hippel-Lindau tumor suppressor; plus strand). Cytogenetic location: 3p25.3.
Variant type: single nucleotide variant.
Coding change: c.134C>T on transcript NM_000551.4 (MANE Select); coding-DNA position 134, C replaced by T.
Protein change: p.Pro45Leu; replaces proline 45 with leucine.
Molecular consequence: missense variant.
Genome position (GRCh38, 1-based): chr3:10,141,981, C>T. VCF-style: chr3-10141981-C-T. GRCh37 (hg19) VCF-style: chr3-10183665-C-T.
Other names: c.134C>T, p.Pro45Leu (NM_001354723.2, NM_198156.3); short protein forms P45L.
Identifiers: ClinVar variation 648726 (VCV000648726.18), dbSNP rs199583685, ClinGen allele CA70042375.
Genomic context (GRCh38, chr3:10,141,981, plus strand): 5'-CTGAAGAAGACGGCGGGGAGGAGTCGGGCGCCGAGGAGTCCGGCCCGGAAGAGTCCGGCC[C>T]GGAGGAACTGGGCGCCGAGGAGGAGATGGAGGCCGGGCGGCCGCGGCCCGTGCTGCGCTC-3'
Protein context (NP_000542.1, residues 35-55): AEESGPEESG[Pro45Leu]EELGAEEEME